The following is an entry in ClinVar:

ClinVar aggregate classification (germline): Uncertain significance. Review status: criteria provided, multiple submitters, no conflicts (2 of 4 stars). 2 submissions from 2 submitters: Uncertain significance (2). Last evaluated 2024-06-12.

Conditions:
Autoimmune lymphoproliferative syndrome type 2A (ALPS2A). Also called: Autoimmune lymphoproliferative syndrome type 2; CASP10-Related Autoimmune Lymphoproliferative Syndrome; AUTOIMMUNE LYMPHOPROLIFERATIVE SYNDROME, TYPE IIA. Identifiers: Orphanet 3261, MedGen C1858968, MONDO:0011383, OMIM 603909.

Submissions (2):

Labcorp Genetics (formerly Invitae), Labcorp
Classification: Uncertain significance for Autoimmune lymphoproliferative syndrome type 2A. Last evaluated: 2024-06-12. Review status: criteria provided, single submitter. Criteria: Invitae Variant Classification Sherloc (09022015). Collection method: clinical testing. Allele origin: germline.
Comment: This sequence change replaces asparagine, which is neutral and polar, with serine, which is neutral and polar, at codon 342 of the CASP10 protein (p.Asn342Ser). This variant is not present in population databases (gnomAD no frequency). This variant has not been reported in the literature in individuals affected with CASP10-related conditions. ClinVar contains an entry for this variant (Variation ID: 898479). Advanced modeling of protein sequence and biophysical properties (such as structural, functional, and spatial information, amino acid conservation, physicochemical variation, residue mobility, and thermodynamic stability) performed at Invitae indicates that this missense variant is not expected to disrupt CASP10 protein function with a negative predictive value of 80%. In summary, the available evidence is currently insufficient to determine the role of this variant in disease. Therefore, it has been classified as a Variant of Uncertain Significance.

Illumina Laboratory Services, Illumina
Classification: Uncertain significance for Autoimmune lymphoproliferative syndrome type 2A. Last evaluated: 2018-01-13. Review status: criteria provided, single submitter. Criteria: ICSL Variant Classification Criteria 13 December 2019. Collection method: clinical testing. Allele origin: germline.

NM_032977.4(CASP10):c.1025A>G (p.Asn342Ser)

Gene: CASP10 (caspase 10; plus strand). Cytogenetic location: 2q33.1.
Variant type: single nucleotide variant.
Coding change: c.1025A>G on transcript NM_032977.4 (MANE Select); coding-DNA position 1025, A replaced by G.
Protein change: p.Asn342Ser; replaces asparagine 342 with serine.
Molecular consequence: missense variant. On other transcripts: 3 prime UTR variant (1).
Genome position (GRCh38, 1-based): chr2:201,209,172, A>G. VCF-style: chr2-201209172-A-G. GRCh37 (hg19) VCF-style: chr2-202073895-A-G.
Other names: c.824A>G, p.Asn275Ser (NM_001206524.2); c.896A>G, p.Asn299Ser (NM_001206542.2, NM_001230.5); c.1025A>G, p.Asn342Ser (NM_032974.5); c.*111A>G (NM_032976.4); short protein forms N299S, N342S, N275S.
Identifiers: ClinVar variation 898479 (VCV000898479.6), dbSNP rs1945312624, ClinGen allele CA350289155.